The following is an entry in ClinVar:

ClinVar aggregate classification (germline): Uncertain significance (1 of 4 stars; one submission).
ClinVar aggregate classification (oncogenicity): Oncogenic (1 of 4 stars; one submission).

Conditions:
Neoplasm. Also called: Neoplasms; Neoplasm (disease); tumor. Identifiers: MedGen C0027651, MeSH D009369, MONDO:0005070, HP:0002664.

Submissions (2):

Center for Genomic Medicine, Rigshospitalet, Copenhagen University Hospital
Classification: Oncogenic for Neoplasm. Last evaluated: 2025-03-04. Review status: criteria provided, single submitter. Criteria: ClinGen/CGC/VICC Guidelines for Oncogenicity, 2022. Collection method: clinical testing. Allele origin: somatic. Affected: yes.

Laboratory for Molecular Medicine, Mass General Brigham Personalized Medicine
Classification: Uncertain significance. Last evaluated: 2012-06-14. Review status: criteria provided, single submitter. Criteria: LMM Criteria. Collection method: clinical testing. Allele origin: germline. Observed: 1 variant allele.
Comment: The Glu586Lys variant in BRAF has not been reported in the literature nor previo usly identified by our laboratory. Computational analyses (biochemical amino ac id properties, conservation, AlignGVGD, PolyPhen2, and SIFT) do not provide stro ng support for or against an impact to the protein. The Glu586Lys variant occurs in the activation segment of the protein kinase domain of BRAF and has been rep orted as a somatic mutation in cancer (COSMIC 2011); however, the impact of a ge rmline mutation remains unknown. This variant is also listed in dbSNP without f requency information (dbSNP rs121913340). In summary, additional information is needed to fully assess the clinical significance of the Glu586Lys variant.

Literature cited by the submitters: PubMed 15035987 (cited by Center for Genomic Medicine, Rigshospitalet, Copenhagen University Hospital); PubMed 22510884 (cited by Center for Genomic Medicine, Rigshospitalet, Copenhagen University Hospital); PubMed 29533785 (cited by Center for Genomic Medicine, Rigshospitalet, Copenhagen University Hospital); PubMed 33019809 (cited by Center for Genomic Medicine, Rigshospitalet, Copenhagen University Hospital).

NM_004333.6(BRAF):c.1756G>A (p.Glu586Lys)

Gene: BRAF (B-Raf proto-oncogene, serine/threonine kinase; minus strand). Cytogenetic location: 7q34.
Variant type: single nucleotide variant.
Coding change: c.1756G>A on transcript NM_004333.6 (MANE Select); coding-DNA position 1756, G replaced by A.
Protein change: p.Glu586Lys; replaces glutamic acid 586 with lysine.
Molecular consequence: missense variant.
Genome position (GRCh38, 1-based): chr7:140,753,379, C>T on the plus strand (G>A on the coding strand, the complement: BRAF is on the minus strand). VCF-style: chr7-140753379-C-T. GRCh37 (hg19) VCF-style: chr7-140453179-C-T.
Other names: c.1756G>A, p.Glu586Lys (NM_001354609.2, NM_001378468.1, NM_001378474.1); c.1876G>A, p.Glu626Lys (NM_001374244.1, NM_001374258.1); c.1765G>A, p.Glu589Lys (NM_001378467.1); c.1690G>A, p.Glu564Lys (NM_001378469.1); c.1654G>A, p.Glu552Lys (NM_001378470.1); c.1645G>A, p.Glu549Lys (NM_001378471.1); c.1600G>A, p.Glu534Lys (NM_001378472.1, NM_001378473.1); c.1492G>A, p.Glu498Lys (NM_001378475.1); short protein forms E586K, E534K, E552K, E498K, E626K, E549K, E564K, E589K.
Identifiers: ClinVar variation 44812 (VCV000044812.6), dbSNP rs121913340, ClinGen allele CA135092.
Genomic context (GRCh38, chr7:140,753,379, plus strand): 5'-CACTCCATCGAGATTTCACTGTAGCTAGACCAAAATCACCTATTTTTACTGTGAGGTCTT[C>T]ATGAAGAAATATATCTGAGGTGTAGTAAGTAAAGGAAAACAGTAGATCTCATTTTCCTAT-3'
Protein context (NP_004324.2, residues 576-596): DLKSNNIFLH[Glu586Lys]DLTVKIGDFG